The following is an entry in ClinVar:

ClinVar aggregate classification (germline): Likely benign (1 of 4 stars; one submission).

Submission:

CeGaT Center for Human Genetics Tuebingen
Classification: Likely benign. Last evaluated: 2022-04-01. Review status: criteria provided, single submitter. Criteria: CeGaT Center For Human Genetics Tuebingen Variant Classification Criteria Version 2. Collection method: clinical testing. Allele origin: germline. Affected: yes. Observed: 1 variant allele.
Comment: WASHC4: PM2:Supporting, BP4, BP7

NM_015275.3(WASHC4):c.1230C>T (p.Ser410=)

Gene: WASHC4 (WASH complex subunit 4; plus strand). Cytogenetic location: 12q23.3.
Variant type: single nucleotide variant.
Coding change: c.1230C>T on transcript NM_015275.3 (MANE Select); coding-DNA position 1230, C replaced by T.
Protein change: p.Ser410=; no amino-acid change (serine 410 retained).
Molecular consequence: synonymous variant.
Genome position (GRCh38, 1-based): chr12:105,133,800, C>T. VCF-style: chr12-105133800-C-T. GRCh37 (hg19) VCF-style: chr12-105527578-C-T.
Other names: c.1230C>T, p.Ser410= (NM_001293640.2).
Identifiers: ClinVar variation 2643256 (VCV002643256.24), dbSNP rs2502604821, ClinGen allele CA481624949.
Genomic context (GRCh38, chr12:105,133,800, plus strand): 5'-CTGAGTAACCCCAATATTTTCCTTTGTTAGAGATGTACAGTCTTACTACGTCTTTGTGAG[C>T]TCATGGATGATGAAAATGGAATCTATTTTGTCTAAAGAGCAGAGAATGGATAAATTTGCT-3'
Protein context (NP_056090.1, residues 400-420): KDVQSYYVFV[Ser410=]SWMMKMESIL